The following is an entry in ClinVar:

NM_001083962.2(TCF4):c.803A>C (p.His268Pro)

Genes: TCF4 (transcription factor 4; minus strand), LOC126862757 (CDK7 strongly-dependent group 2 enhancer GRCh37_chr18:52936433-52937632; plus strand). Cytogenetic location: 18q21.2.
Variant type: single nucleotide variant.
Coding change: c.803A>C on transcript NM_001083962.2 (MANE Select); coding-DNA position 803, A replaced by C.
Protein change: p.His268Pro; replaces histidine 268 with proline.
Molecular consequence: missense variant.
Genome position (GRCh38, 1-based): chr18:55,269,950, T>G on the plus strand (A>C on the coding strand, the complement: TCF4 is on the minus strand). VCF-style: chr18-55269950-T-G. GRCh37 (hg19) VCF-style: chr18-52937181-T-G.
Other names: c.323A>C, p.His108Pro (NM_001243235.2, NM_001243236.2, NM_001348214.2 and 2 more transcripts); c.731A>C, p.His244Pro (NM_001306207.1, NM_001369575.1, NM_001369577.1 and 9 more transcripts); c.590A>C, p.His197Pro (NM_001306208.1, NM_001243232.1); c.803A>C, p.His268Pro (NM_001330604.3, NM_001369571.1, NM_001369572.1 and 4 more transcripts); c.413A>C, p.His138Pro (NM_001330605.3, NM_001348212.2, NM_001348213.2 and 1 more transcripts); c.677A>C, p.His226Pro (NM_001348211.2, NM_001243231.2); c.800A>C, p.His267Pro (NM_001369570.1, NM_001369573.1, NM_001369569.1); c.728A>C, p.His243Pro (NM_001369576.1, NM_001369578.1, NM_001348220.1 and 3 more transcripts); and 4 more; short protein forms H108P, H138P, H197P, H226P, H243P, H244P, H266P, H267P.
Identifiers: ClinVar variation 4845588 (VCV004845588.1).
Genomic context (GRCh38, chr18:55,269,950, plus strand): 5'-GTACCACTACGATGGAAAGTGGACATCGGAGGAAGACTGGAATTGATGTCTGCTGAGGAG[T>G]GTGATGGATAGCTCTATAGCAAGAAGCAGAAAAAGGTGGCCATATTTAATCATAAGGTAT-3'
Protein context (NP_001077431.1, residues 258-278): HPHERLSYPS[His268Pro]SSADINSSLP

ClinVar aggregate classification (germline): Likely pathogenic (1 of 4 stars; one submission).

Conditions:
TCF4-related disorder. Also called: TCF4-related condition.

Submission:

Greenwood Genetic Center Diagnostic Laboratories, Greenwood Genetic Center
Classification: Likely pathogenic for TCF4-related disorder. Last evaluated: 2025-10-21. Review status: criteria provided, single submitter. Criteria: ACMG Guidelines, 2015. Collection method: clinical testing. Allele origin: germline. Affected: yes.
Comment: PM2, PM6, PP2, PP3